The following is an entry in ClinVar:

ClinVar aggregate classification (germline): Benign/Likely benign. Review status: criteria provided, multiple submitters, no conflicts (2 of 4 stars). 15 submissions from 15 submitters: Benign (8); Likely benign (4). 3 of the submissions do not count toward it. Last evaluated 2026-01-27.

Conditions:
Inborn genetic diseases. Identifiers: MedGen C0950123, MeSH D030342.
Christianson syndrome (MRXSCH). Also called: INTELLECTUAL DEVELOPMENTAL DISORDER, X-LINKED, SYNDROMIC, CHRISTIANSON TYPE; X-linked mental retardation, syndromic, Christianson type; SLC9A6-Related Syndromic Mental Retardation. Identifiers: Orphanet 85278, MedGen C2678194, MONDO:0010278, OMIM 300243.
Intellectual disability. Also called: Intellectual developmental disorder; Intellectual functioning disability; intellectual disabilities. Identifiers: MedGen C3714756, MeSH D008607, MONDO:0001071, HP:0001249.

Allele frequency attached by ClinVar (database versions not stated): 1000 Genomes Project 0.00053; 1000 Genomes Project 30x 0.00062; TOPMed 0.00133; gnomAD 0.00157 and 0.00166; ExAC 0.00163; gnomAD exomes 0.00166 and 0.00224; ESP Exome Variant Server 0.00199.
gnomAD v4.1: 2,521 of 1,172,230 alleles (0.22%); highest among the groups gnomAD compares: Non-Finnish European, 0.27%; 2 homozygotes.

Submissions (18):

Labcorp Genetics (formerly Invitae), Labcorp
Classification: Benign for Christianson syndrome. Last evaluated: 2026-01-27. Review status: criteria provided, single submitter. Criteria: Invitae Variant Classification Sherloc (09022015). Collection method: clinical testing. Allele origin: germline.

ARUP Laboratories, Molecular Genetics and Genomics, ARUP Laboratories
Classification: Benign for Christianson syndrome. Last evaluated: 2025-03-20. Review status: criteria provided, single submitter. Criteria: ARUP Molecular Germline Variant Investigation Process 2024. Collection method: clinical testing. Allele origin: germline.

Mayo Clinic Laboratories, Mayo Clinic
Classification: Benign. Last evaluated: 2024-12-17. Review status: criteria provided, single submitter. Criteria: ACMG Guidelines, 2015. Collection method: clinical testing. Allele origin: germline. Observed: 6 variant alleles.
Comment: BS1, BS2

Blueprint Genetics
Classification: Likely benign. Last evaluated: 2024-10-02. Review status: criteria provided, single submitter. Criteria: ACMG Guidelines, 2015. Collection method: clinical testing. Allele origin: germline.

Athena Diagnostics
Classification: Benign. Last evaluated: 2024-04-10. Review status: criteria provided, single submitter. Criteria: Athena Diagnostics Criteria. Collection method: clinical testing. Allele origin: unknown.

CeGaT Center for Human Genetics Tuebingen
Classification: Likely benign. Last evaluated: 2017-08-01. Review status: criteria provided, single submitter. Criteria: CeGaT Center For Human Genetics Tuebingen Variant Classification Criteria Version 2. Collection method: clinical testing. Allele origin: germline. Affected: yes. Observed: 4 variant alleles.

Genetic Services Laboratory, University of Chicago
Classification: Benign. Last evaluated: 2017-06-22. Review status: criteria provided, single submitter. Criteria: ACMG Guidelines, 2015. Collection method: clinical testing. Allele origin: germline. Affected: no.

Ambry Genetics
Classification: Benign for Inborn genetic diseases. Last evaluated: 2016-09-07. Review status: criteria provided, single submitter. Criteria: Ambry Variant Classification Scheme 2023. Collection method: clinical testing. Allele origin: germline.

GeneDx
Classification: Benign. Last evaluated: 2016-06-22. Review status: criteria provided, single submitter. Criteria: GeneDx Variant Classification (06012015). Collection method: clinical testing. Allele origin: germline. Affected: yes.
Comment: This variant is considered likely benign or benign based on one or more of the following criteria: it is a conservative change, it occurs at a poorly conserved position in the protein, it is predicted to be benign by multiple in silico algorithms, and/or has population frequency not consistent with disease.

Center for Pediatric Genomic Medicine, Children's Mercy Hospital and Clinics
Classification: Likely benign. Last evaluated: 2015-06-12. Review status: criteria provided, single submitter. Criteria: ACMG Guidelines, 2015. Collection method: clinical testing. Allele origin: germline.
ClinVar note: Converted during submission from Likely Benign to Likely benign.

Eurofins Ntd Llc (ga)
Classification: Benign. Last evaluated: 2014-11-21. Review status: criteria provided, single submitter. Criteria: EGL Classification Definitions 2015. Collection method: clinical testing. Allele origin: germline. Observed: 3 variant alleles, 2 heterozygotes, 1 hemizygote.

Breakthrough Genomics
Classification: Likely benign. Review status: criteria provided, single submitter. Criteria: ACMG Guidelines, 2015. Collection method: not provided. Allele origin: germline. Inheritance: X-linked inheritance. Affected: yes.

Centre de Biologie Pathologie Génétique, Centre Hospitalier Universitaire de Lille
Classification: Likely benign for Intellectual disability. Last evaluated: 2019-01-01. Review status: no assertion criteria provided. Collection method: clinical testing. Allele origin: inherited. Affected: yes. Not counted in ClinVar's aggregate classification.

Clinical Genetics DNA and cytogenetics Diagnostics Lab, Erasmus MC, Erasmus Medical Center
Classification: Benign. Review status: no assertion criteria provided. Collection method: clinical testing. Allele origin: germline. Affected: yes. Study: VKGL Data-share Consensus. Not counted in ClinVar's aggregate classification.

Dr. Peter K. Rogan Lab, Western University
No classification provided (evidence only). Condition: Melanoma. Review status: no classification provided. Collection method: in vitro. Allele origin: not applicable. Functional consequence: retained intron. Not counted in ClinVar's aggregate classification.

Dr. Peter K. Rogan Lab, Western University
No classification provided (evidence only). Condition: Thyroid cancer, nonmedullary, 1. Review status: no classification provided. Collection method: in vitro. Allele origin: not applicable. Functional consequence: retained intron. Not counted in ClinVar's aggregate classification.

Dr. Peter K. Rogan Lab, Western University
No classification provided (evidence only). Condition: Adrenocortical carcinoma, hereditary. Review status: no classification provided. Collection method: in vitro. Allele origin: not applicable. Functional consequence: retained intron. Not counted in ClinVar's aggregate classification.

Genome Diagnostics Laboratory, University Medical Center Utrecht
Classification: Likely benign. Review status: no assertion criteria provided. Collection method: clinical testing. Allele origin: germline. Affected: yes. Study: VKGL Data-share Consensus. Not counted in ClinVar's aggregate classification.

Literature cited by the submitters: PubMed 19377476 (cited by Mayo Clinic Laboratories, Mayo Clinic and Athena Diagnostics); PubMed 24389049 (cited by Mayo Clinic Laboratories, Mayo Clinic and Athena Diagnostics); PubMed 20479760 (cited by Athena Diagnostics).

NM_001379110.1(SLC9A6):c.1637G>A (p.Arg546Gln)

Gene: SLC9A6 (solute carrier family 9 member A6; plus strand). Cytogenetic location: Xq26.3.
Variant type: single nucleotide variant.
Coding change: c.1637G>A on transcript NM_001379110.1 (MANE Select); coding-DNA position 1637, G replaced by A.
Protein change: p.Arg546Gln; replaces arginine 546 with glutamine.
Molecular consequence: missense variant.
Genome position (GRCh38, 1-based): chrX:136,033,469, G>A. VCF-style: chrX-136033469-G-A. GRCh37 (hg19) VCF-style: chrX-135115628-G-A.
Other names: p.R536Q:CGG>CAG; p.Arg536Gln; c.1703G>A, p.Arg568Gln (NM_001042537.2); c.1547G>A, p.Arg516Gln (NM_001177651.2); c.1451G>A, p.Arg484Gln (NM_001330652.2); c.1607G>A, p.Arg536Gln (NM_006359.3); short protein forms R568Q, R536Q, R516Q, R484Q, R546Q.
Identifiers: ClinVar variation 139207 (VCV000139207.73), dbSNP rs146263125, ClinGen allele CA302758.